The following is an entry in ClinVar:

NM_001034853.2(RPGR):c.2527dup (p.Glu843fs)

Gene: RPGR (retinitis pigmentosa GTPase regulator; minus strand). Cytogenetic location: Xp11.4.
Variant type: Duplication.
Coding change: c.2527dup on transcript NM_001034853.2 (MANE Select); coding-DNA position 2527, one base duplicated (G; older notation c.2527dupG).
Protein change: p.Glu843fs; shifts the reading frame from glutamic acid 843.
Molecular consequence: frameshift variant. On other transcripts: intron variant (8).
Genome position (GRCh38, 1-based): chrX:38,286,472, C duplicated on the plus strand (G on the coding strand, the reverse complement: RPGR is on the minus strand); the first of 5 consecutive C bases (chrX:38,286,472-38,286,476); duplicating any one gives the same sequence. VCF-style (leftmost placement, unchanged base first): chrX-38286471-T-TC. GRCh37 (hg19) VCF-style: chrX-38145724-T-TC.
Other names: c.1569+4483dup (NM_001367249.1, NM_001367250.1); c.1902+618dup (NM_001367245.1); c.1386+4483dup (NM_001367251.1); c.1719+618dup (NM_001367246.1); c.1572+4483dup (NM_001367247.1); c.1905+618dup (NM_000328.3); c.1602+4483dup (NM_001367248.1); short protein forms E843fs.
Identifiers: ClinVar variation 813092 (VCV000813092.41), dbSNP rs2067175855, ClinGen allele CA1139667420.

ClinVar aggregate classification (germline): Pathogenic. Review status: criteria provided, multiple submitters, no conflicts (2 of 4 stars). 3 submissions from 3 submitters: Pathogenic (3). Last evaluated 2025-07-30.

Conditions:
Retinitis pigmentosa (RP). Identifiers: Orphanet 791, MedGen C0035334, MeSH D012174, MONDO:0019200, OMIM 268000. Inheritance: Autosomal dominant, autosomal recessive and X linked inheritance.
Retinitis pigmentosa 3. Also called: CHOROIDORETINAL DEGENERATION WITH RETINAL REFLEX IN HETEROZYGOUS WOMEN. Identifiers: Orphanet 791, MedGen C1845667, MONDO:0010227, OMIM 300029.

Submissions (3):

3billion
Classification: Pathogenic for Retinitis pigmentosa 3. Last evaluated: 2025-07-30. Review status: criteria provided, single submitter. Criteria: ACMG Guidelines, 2015. Collection method: clinical testing. Allele origin: germline. Affected: yes.
Comment: The variant is not observed in the gnomAD v4.1.0 dataset. Predicted Consequence/Location: Frameshift: predicted to result in a loss or disruption of normal protein function through protein truncation. Multiple pathogenic variants are reported in the predicted truncated region. The variant has been reported at least twice as pathogenic without evidence for the classification (ClinVar ID: VCV000813092). Therefore, this variant is classified as Pathogenic according to the recommendation of ACMG/AMP guideline.

Molecular Genetics Laboratory, Institute for Ophthalmic Research
Classification: Pathogenic for Retinitis pigmentosa. Last evaluated: 2020-01-09. Review status: criteria provided, single submitter. Criteria: ACMG Guidelines, 2015. Collection method: research. Allele origin: germline. Affected: yes.

CeGaT Center for Human Genetics Tuebingen
Classification: Pathogenic. Last evaluated: 2018-10-01. Review status: criteria provided, single submitter. Criteria: CeGaT Center For Human Genetics Tuebingen Variant Classification Criteria Version 2. Collection method: clinical testing. Allele origin: germline. Affected: yes. Observed: 1 variant allele.